The following is an entry in ClinVar:

ClinVar aggregate classification (germline): Uncertain significance. Review status: criteria provided, multiple submitters, no conflicts (2 of 4 stars). 2 submissions from 2 submitters: Uncertain significance (2). Last evaluated 2025-01-16.

Conditions:
Birt-Hogg-Dube syndrome. Also called: Birt Hogg Dubé syndrome. Identifiers: Orphanet 122, MedGen C0346010, MONDO:0800444.
Hereditary cancer-predisposing syndrome. Also called: Hereditary Cancer Syndrome; Hereditary neoplastic syndrome; Tumor predisposition; Neoplastic Syndromes, Hereditary. Identifiers: Orphanet 140162, MedGen C0027672, MeSH D009386, MONDO:0015356.

Submissions (2):

Ambry Genetics
Classification: Uncertain significance for Hereditary cancer-predisposing syndrome. Last evaluated: 2025-01-16. Review status: criteria provided, single submitter. Criteria: Ambry Variant Classification Scheme 2023. Collection method: clinical testing. Allele origin: germline.
Comment: The p.R179G variant (also known as c.535C>G), located in coding exon 3 of the FLCN gene, results from a C to G substitution at nucleotide position 535. The arginine at codon 179 is replaced by glycine, an amino acid with dissimilar properties. This amino acid position is highly conserved in available vertebrate species. In addition, this alteration is predicted to be deleterious by in silico analysis. Based on the available evidence, the clinical significance of this variant remains unclear.

Labcorp Genetics (formerly Invitae), Labcorp
Classification: Uncertain significance for Birt-Hogg-Dube syndrome. Last evaluated: 2024-09-27. Review status: criteria provided, single submitter. Criteria: Invitae Variant Classification Sherloc (09022015). Collection method: clinical testing. Allele origin: germline.
Comment: This sequence change replaces arginine, which is basic and polar, with glycine, which is neutral and non-polar, at codon 179 of the FLCN protein (p.Arg179Gly). This variant is not present in population databases (gnomAD no frequency). This variant has not been reported in the literature in individuals affected with FLCN-related conditions. Invitae Evidence Modeling of protein sequence and biophysical properties (such as structural, functional, and spatial information, amino acid conservation, physicochemical variation, residue mobility, and thermodynamic stability) indicates that this missense variant is not expected to disrupt FLCN protein function with a negative predictive value of 80%. In summary, the available evidence is currently insufficient to determine the role of this variant in disease. Therefore, it has been classified as a Variant of Uncertain Significance.

NM_144997.7(FLCN):c.535C>G (p.Arg179Gly)

Gene: FLCN (folliculin; minus strand). Cytogenetic location: 17p11.2.
Variant type: single nucleotide variant.
Coding change: c.535C>G on transcript NM_144997.7 (MANE Select); coding-DNA position 535, C replaced by G.
Protein change: p.Arg179Gly; replaces arginine 179 with glycine.
Molecular consequence: missense variant.
Genome position (GRCh38, 1-based): chr17:17,224,005, G>C on the plus strand (C>G on the coding strand, the complement: FLCN is on the minus strand). VCF-style: chr17-17224005-G-C. GRCh37 (hg19) VCF-style: chr17-17127319-G-C.
Other names: c.589C>G, p.Arg197Gly (NM_001353229.2); c.535C>G, p.Arg179Gly (NM_001353230.2, NM_001353231.2, NM_144606.7); short protein forms R179G, R197G.
Identifiers: ClinVar variation 2776517 (VCV002776517.4), dbSNP rs774358971, ClinGen allele CA398534337.